The following is an entry in ClinVar:

NM_006005.3(WFS1):c.2104G>A (p.Gly702Ser)

Gene: WFS1 (wolframin ER transmembrane glycoprotein; plus strand). Cytogenetic location: 4p16.1.
Variant type: single nucleotide variant.
Coding change: c.2104G>A on transcript NM_006005.3 (MANE Select); coding-DNA position 2104, G replaced by A.
Protein change: p.Gly702Ser; replaces glycine 702 with serine.
Molecular consequence: missense variant.
Genome position (GRCh38, 1-based): chr4:6,301,899, G>A. VCF-style: chr4-6301899-G-A. GRCh37 (hg19) VCF-style: chr4-6303626-G-A.
Other names: c.2104G>A, p.Gly702Ser (NM_001145853.1); short protein forms G702S.
Identifiers: ClinVar variation 1373337 (VCV001373337.12), dbSNP rs71532862, ClinGen allele CA2839601.

ClinVar aggregate classification (germline): Pathogenic/Likely pathogenic. Review status: criteria provided, multiple submitters, no conflicts (2 of 4 stars). 5 submissions from 5 submitters: Pathogenic (4); Likely pathogenic (1). Last evaluated 2026-01-26.

Conditions:
Optic atrophy. Identifiers: MedGen C0029124, MONDO:0003608, HP:0000648.
WFS1-related disorder. Identifiers: MedGen CN379391, MONDO:0700293.
Wolfram syndrome 1 (WFS1). Identifiers: Orphanet 3463, MedGen C4551693, MONDO:0009101, OMIM 222300.

Allele frequency attached by ClinVar (database versions not stated): ExAC 0.00003; TOPMed 0.00001; gnomAD 0.00002; gnomAD exomes 0.00002.
gnomAD v4.1: 36 of 1,612,654 alleles (0.0022%); highest among the groups gnomAD compares: South Asian, 0.0099%; no homozygotes.

Submissions (5):

Medical and Scientific Branch, Hong Kong Genome Institute
Classification: Pathogenic for Wolfram syndrome 1. Last evaluated: 2026-01-26. Review status: criteria provided, single submitter. Criteria: ACMG Guidelines, 2015. Collection method: clinical testing. Allele origin: maternal. Affected: yes.

PreventionGenetics, part of Exact Sciences
Classification: Pathogenic for WFS1-related condition. Last evaluated: 2025-09-17. Review status: criteria provided, single submitter. Criteria: ACMG Guidelines, 2015. Collection method: clinical testing. Allele origin: germline.
Comment: The WFS1 c.2104G>A variant is predicted to result in the amino acid substitution p.Gly702Ser. This variant has been reported in the homozygous and compound heterozygous states in multiple unrelated individuals with autosomal recessive Wolfram syndrome 1 (Supporting Tables, Chaussenot et al. 2011. PubMed ID: 21446023; Aloi et al. 2012. PubMed ID: 22238590; Maltoni et al. 2016. PubMed ID: 27657458; La Morgia et al. 2020. PubMed ID: 32179840). This variant has also been reported in cohort studies of individuals with optic atrophy/neuropathy (Galvez-Ruiz et al. 2018. PubMed ID: 29563951) or suspected monogenic diabetes (Saint-Martin et al. 2022. PubMed ID: 34556497; Marucci et al. 2022. PubMed ID: 362275020). This variant is reported in 0.013% of alleles in individuals of South Asian descent in gnomAD. An alternate missense change of the same amino acid (p.Gly702Asp) has also been reported in the homozygous and compound heterozygous states multiple individuals with Wolfram syndrome (Gasparin et al. 2009. PubMed ID: 19042979; Du et al. 2023. PubMed ID: 37974252; Hoseinzadeh et al. 2025. DOI:10.1186/s43042-025-00657-z). Taken together, the p.Gly702Ser variant is interpreted as pathogenic.

Labcorp Genetics (formerly Invitae), Labcorp
Classification: Pathogenic. Last evaluated: 2025-07-30. Review status: criteria provided, single submitter. Criteria: Invitae Variant Classification Sherloc (09022015). Collection method: clinical testing. Allele origin: germline.
Comment: This sequence change replaces glycine, which is neutral and non-polar, with serine, which is neutral and polar, at codon 702 of the WFS1 protein (p.Gly702Ser). This variant is present in population databases (rs71532862, gnomAD 0.01%). This missense change has been observed in individuals with autosomal recessive Wolfram syndrome (PMID: 21446023, 32179840). ClinVar contains an entry for this variant (Variation ID: 1373337). Invitae Evidence Modeling of protein sequence and biophysical properties (such as structural, functional, and spatial information, amino acid conservation, physicochemical variation, residue mobility, and thermodynamic stability) indicates that this missense variant is expected to disrupt WFS1 protein function with a positive predictive value of 95%. For these reasons, this variant has been classified as Pathogenic.

Blueprint Genetics
Classification: Pathogenic for WFS1-related disorders. Last evaluated: 2024-06-24. Review status: criteria provided, single submitter. Criteria: ACMG Guidelines, 2015. Collection method: clinical testing. Allele origin: germline. Affected: yes. Observed: 5 variant alleles.

Institute of Human Genetics, Univ. Regensburg, Univ. Regensburg
Classification: Likely pathogenic for Optic atrophy. Last evaluated: 2021-01-01. Review status: criteria provided, single submitter. Criteria: ACMG Guidelines, 2015. Collection method: clinical testing. Allele origin: germline. Affected: yes.

Literature cited by the submitters: PubMed 21446023 (cited by Labcorp Genetics (formerly Invitae), Labcorp and Institute of Human Genetics, Univ. Regensburg, Univ. Regensburg); PubMed 32179840 (cited by Labcorp Genetics (formerly Invitae), Labcorp and Institute of Human Genetics, Univ. Regensburg, Univ. Regensburg); PubMed 27657458 (cited by Institute of Human Genetics, Univ. Regensburg, Univ. Regensburg); PubMed 29563951 (cited by Institute of Human Genetics, Univ. Regensburg, Univ. Regensburg); PubMed 33726816 (cited by Institute of Human Genetics, Univ. Regensburg, Univ. Regensburg); PubMed 36227502 (cited by Institute of Human Genetics, Univ. Regensburg, Univ. Regensburg).